The following is an entry in ClinVar:

NM_001142864.4(PIEZO1):c.3458C>G (p.Ser1153Cys)

Gene: PIEZO1 (piezo type mechanosensitive ion channel component 1 (Er blood group); minus strand). Cytogenetic location: 16q24.3.
Variant type: single nucleotide variant.
Coding change: c.3458C>G on transcript NM_001142864.4 (MANE Select); coding-DNA position 3458, C replaced by G.
Protein change: p.Ser1153Cys; replaces serine 1153 with cysteine.
Molecular consequence: missense variant.
Genome position (GRCh38, 1-based): chr16:88,726,956, G>C on the plus strand (C>G on the coding strand, the complement: PIEZO1 is on the minus strand). VCF-style: chr16-88726956-G-C. GRCh37 (hg19) VCF-style: chr16-88793364-G-C.
Other names: p.Ser1153Cys; c.2000C>G, p.Ser667Cys (NM_014745.1); short protein forms S1153C, S667C.
Identifiers: ClinVar variation 2683396 (VCV002683396.2), dbSNP rs758211130, ClinGen allele CA8232466.

ClinVar aggregate classification (germline): Uncertain significance. Review status: criteria provided, multiple submitters, no conflicts (2 of 4 stars). 2 submissions from 2 submitters: Uncertain significance (2). Last evaluated 2025-08-04.

Conditions:
Inborn genetic diseases. Identifiers: MedGen C0950123, MeSH D030342.

Allele frequency attached by ClinVar (database versions not stated): gnomAD exomes below 0.00001; TOPMed 0.00001; ExAC 0.00005.
gnomAD v4.1: 4 of 1,550,348 alleles (0.00026%); highest among the groups gnomAD compares: South Asian, 0.0012%; no homozygotes.

Submissions (2):

Ambry Genetics
Classification: Uncertain significance for Inborn genetic diseases. Last evaluated: 2025-08-04. Review status: criteria provided, single submitter. Criteria: Ambry Variant Classification Scheme 2023. Collection method: clinical testing. Allele origin: germline.

Mayo Clinic Laboratories, Mayo Clinic
Classification: Uncertain significance. Last evaluated: 2022-11-18. Review status: criteria provided, single submitter. Criteria: ACMG Guidelines, 2015. Collection method: clinical testing. Allele origin: germline. Observed: 2 variant alleles.
Comment: PM2